The following is an entry in ClinVar:

NM_022455.5(NSD1):c.6976A>T (p.Arg2326Ter)

Gene: NSD1 (nuclear receptor binding SET domain protein 1; plus strand). Cytogenetic location: 5q35.3.
Variant type: single nucleotide variant.
Coding change: c.6976A>T on transcript NM_022455.5 (MANE Select); coding-DNA position 6976, A replaced by T.
Protein change: p.Arg2326Ter; replaces arginine 2326 with a stop codon.
Molecular consequence: nonsense.
Genome position (GRCh38, 1-based): chr5:177,294,344, A>T. VCF-style: chr5-177294344-A-T. GRCh37 (hg19) VCF-style: chr5-176721345-A-T.
Other names: c.6103A>T, p.Arg2035Ter (NM_001365684.2, NM_001409308.1, NM_172349.5); c.6976A>T, p.Arg2326Ter (NM_001409301.1, NM_001409302.1, NM_001409303.1); c.6556A>T, p.Arg2186Ter (NM_001409304.1); c.6223A>T, p.Arg2075Ter (NM_001409305.1); c.6214A>T, p.Arg2072Ter (NM_001409306.1, NM_001409307.1); c.5854A>T, p.Arg1952Ter (NM_001409309.1); short protein forms R1952*, R2075*, R2035*, R2072*, R2186*, R2326*.
Identifiers: ClinVar variation 4626500 (VCV004626500.1).
Genomic context (GRCh38, chr5:177,294,344, plus strand): 5'-TCCCAATCCTTGGTTTCCAGCCAGAGGCCACTGGACAGGCCACCAGCAGTGGCAGGACCA[A>T]GACCCCAGCTAAGCGACAAACCCTCTCCAGTGACCAGCCCAAGCTCCTCACCCTCAGTCA-3'

ClinVar aggregate classification (germline): Likely pathogenic (1 of 4 stars; one submission).

Conditions:
Inborn genetic diseases. Identifiers: MedGen C0950123, MeSH D030342.

Submission:

Ambry Genetics
Classification: Likely pathogenic for Inborn genetic diseases. Last evaluated: 2025-10-21. Review status: criteria provided, single submitter. Criteria: Ambry Variant Classification Scheme 2023. Collection method: clinical testing. Allele origin: germline.
Comment: The c.6976A>T (p.R2326*) alteration, located in exon 23 (coding exon 22) of the NSD1 gene, consists of an A to T substitution at nucleotide position 6976. This changes the amino acid from an arginine (R) to a stop codon at amino acid position 2326. This variant is not expected to trigger nonsense-mediated mRNA decay, and impacts the last 13.8% of the protein. However, premature stop codons are typically deleterious in nature and a significant portion of the protein is affected (Ambry internal data). This variant was not reported in population-based cohorts in the Genome Aggregation Database (gnomAD). Based on the available evidence, this alteration is classified as likely pathogenic.